The following is an entry in ClinVar:

NM_001379291.1(BRD4):c.2032A>T (p.Lys678Ter)

Gene: BRD4 (bromodomain containing 4; minus strand). Cytogenetic location: 19p13.12.
Variant type: single nucleotide variant.
Coding change: c.2032A>T on transcript NM_001379291.1 (MANE Select); coding-DNA position 2032, A replaced by T.
Protein change: p.Lys678Ter; replaces lysine 678 with a stop codon.
Molecular consequence: nonsense.
Genome position (GRCh38, 1-based): chr19:15,255,312, T>A on the plus strand (A>T on the coding strand, the complement: BRD4 is on the minus strand). VCF-style: chr19-15255312-T-A. GRCh37 (hg19) VCF-style: chr19-15366123-T-A.
Other names: c.2032A>T, p.Lys678Ter (NM_001330384.2, NM_001379292.1, NM_014299.3 and 1 more transcripts); short protein forms K678*.
Identifiers: ClinVar variation 4851740 (VCV004851740.1).

ClinVar aggregate classification (germline): Likely pathogenic (1 of 4 stars; one submission).

Conditions:
Cornelia de Lange syndrome 6 (CDLS6). Identifiers: MedGen C5882712, MONDO:0957921, OMIM 620568.

Submission:

Greenwood Genetic Center Diagnostic Laboratories, Greenwood Genetic Center
Classification: Likely pathogenic for Cornelia de Lange syndrome 6. Last evaluated: 2025-01-07. Review status: criteria provided, single submitter. Criteria: ACMG Guidelines, 2015. Collection method: clinical testing. Allele origin: germline. Affected: yes.
Comment: PVS1, PM2